The following is an entry in ClinVar:

NM_133642.5(LARGE1):c.2100C>T (p.Asn700=)

Gene: LARGE1 (LARGE xylosyl- and glucuronyltransferase 1; minus strand). Cytogenetic location: 22q12.3.
Variant type: single nucleotide variant.
Coding change: c.2100C>T on transcript NM_133642.5 (MANE Select); coding-DNA position 2100, C replaced by T.
Protein change: p.Asn700=; no amino-acid change (asparagine 700 retained).
Molecular consequence: synonymous variant.
Genome position (GRCh38, 1-based): chr22:33,274,598, G>A on the plus strand (C>T on the coding strand, the complement: LARGE1 is on the minus strand). VCF-style: chr22-33274598-G-A. GRCh37 (hg19) VCF-style: chr22-33670584-G-A.
Other names: p.N700N:AAC>AAT; p.Asn700=; c.2100C>T, p.Asn700= (NM_001362949.2, NM_001362951.2, NM_001362953.2 and 4 more transcripts); c.1953C>T, p.Asn651= (NM_001378627.1, NM_001378628.1); c.1944C>T, p.Asn648= (NM_001378629.1); c.1497C>T, p.Asn499= (NM_001378630.1); c.1194C>T, p.Asn398= (NM_001378631.1); c.2100C>T (NM_004737.6).
Identifiers: ClinVar variation 95172 (VCV000095172.31), dbSNP rs17722172, ClinGen allele CA285636.

ClinVar aggregate classification (germline): Benign/Likely benign. Review status: criteria provided, multiple submitters, no conflicts (2 of 4 stars). 12 submissions from 11 submitters: Benign (7); Likely benign (2). 3 of the submissions do not count toward it. Last evaluated 2026-02-04.

Conditions:
Muscular dystrophy-dystroglycanopathy type B6 (MDDGB6). Also called: MUSCULAR DYSTROPHY-DYSTROGLYCANOPATHY (CONGENITAL WITH IMPAIRED INTELLECTUAL DEVELOPMENT), TYPE B, 6; MUSCULAR DYSTROPHY, CONGENITAL, LARGE-RELATED; MUSCULAR DYSTROPHY, CONGENITAL, TYPE 1D. Identifiers: MedGen C1837229, MONDO:0012138, OMIM 608840.
Muscular dystrophy-dystroglycanopathy (congenital with brain and eye anomalies), type A6. Also called: WALKER-WARBURG SYNDROME OR MUSCLE-EYE-BRAIN DISEASE, LARGE-RELATED; MUSCULAR DYSTROPHY-DYSTROGLYCANOPATHY (CONGENITAL WITH BRAIN AND EYE ANOMALIES), TYPE A, 6. Identifiers: Orphanet 588, Orphanet 899, MedGen C3150414, MONDO:0013158, OMIM 613154.

Allele frequency attached by ClinVar (database versions not stated): ExAC 0.04717; gnomAD exomes 0.04721; gnomAD 0.04733 and 0.04597; ESP Exome Variant Server 0.05228; 1000 Genomes Project 0.02097; 1000 Genomes Project 30x 0.02233; TOPMed 0.04557.
gnomAD v4.1: 96,545 of 1,613,914 alleles (6%); highest among the groups gnomAD compares: Middle Eastern, 7.3%; 3,243 homozygotes.

Submissions (12):

Labcorp Genetics (formerly Invitae), Labcorp
Classification: Benign for Muscular dystrophy-dystroglycanopathy type B6. Last evaluated: 2026-02-04. Review status: criteria provided, single submitter. Criteria: Invitae Variant Classification Sherloc (09022015). Collection method: clinical testing. Allele origin: germline.

Mayo Clinic Laboratories, Mayo Clinic
Classification: Benign. Last evaluated: 2019-02-27. Review status: criteria provided, single submitter. Criteria: ACMG Guidelines, 2015. Collection method: clinical testing. Allele origin: germline. Observed: 154 variant alleles.

Illumina Laboratory Services, Illumina
Classification: Benign for Muscular dystrophy-dystroglycanopathy type B6. Last evaluated: 2018-01-13. Review status: criteria provided, single submitter. Criteria: ICSL Variant Classification Criteria 13 December 2019. Collection method: clinical testing. Allele origin: germline.
Comment: This variant was observed in the ICSL laboratory as part of a predisposition screen in an ostensibly healthy population. It had not been previously curated by ICSL or reported in the Human Gene Mutation Database (HGMD: prior to June 1st, 2018), and was therefore a candidate for classification through an automated scoring system. Utilizing variant allele frequency, disease prevalence and penetrance estimates, and inheritance mode, an automated score was calculated to assess if this variant is too frequent to cause the disease. Based on the score and internal cut-off values, a variant classified as benign is not then subjected to further curation. The score for this variant resulted in a classification of benign for this disease.

Illumina Laboratory Services, Illumina
Classification: Benign for Muscular dystrophy-dystroglycanopathy (congenital with brain and eye anomalies), type A6. Last evaluated: 2018-01-13. Review status: criteria provided, single submitter. Criteria: ICSL Variant Classification Criteria 13 December 2019. Collection method: clinical testing. Allele origin: germline.
Comment: the same text as in the submission from Illumina Laboratory Services, Illumina above.

GeneDx
Classification: Benign. Last evaluated: 2013-10-30. Review status: criteria provided, single submitter. Criteria: GeneDx Variant Classification (06012015). Collection method: clinical testing. Allele origin: germline. Affected: yes.
Comment: This variant is considered likely benign or benign based on one or more of the following criteria: it is a conservative change, it occurs at a poorly conserved position in the protein, it is predicted to be benign by multiple in silico algorithms, and/or has population frequency not consistent with disease.

Genetic Services Laboratory, University of Chicago
Classification: Likely benign. Last evaluated: 2013-03-05. Review status: criteria provided, single submitter. Criteria: ACMG Guidelines, 2007. Collection method: clinical testing. Allele origin: germline. Inheritance: Autosomal recessive inheritance.
Comment: Likely benign based on allele frequency in 1000 Genomes Project or ESP global frequency and its presence in a patient with a rare or unrelated disease phenotype. NOT Sanger confirmed

Eurofins Ntd Llc (ga)
Classification: Benign. Last evaluated: 2012-10-25. Review status: criteria provided, single submitter. Criteria: EGL Classification Definitions 2015. Collection method: clinical testing. Allele origin: germline. Observed: 3 variant alleles, 2 heterozygotes, 1 homozygote.

Breakthrough Genomics
Classification: Likely benign. Review status: criteria provided, single submitter. Criteria: ACMG Guidelines, 2015. Collection method: not provided. Allele origin: germline. Inheritance: Autosomal recessive inheritance. Affected: yes.

PreventionGenetics, part of Exact Sciences
Classification: Benign. Review status: criteria provided, single submitter. Criteria: ACMG Guidelines, 2015. Collection method: clinical testing. Allele origin: germline.

Clinical Genetics DNA and cytogenetics Diagnostics Lab, Erasmus MC, Erasmus Medical Center
Classification: Benign. Review status: no assertion criteria provided. Collection method: clinical testing. Allele origin: germline. Affected: yes. Study: VKGL Data-share Consensus. Not counted in ClinVar's aggregate classification.

Diagnostic Laboratory, Department of Genetics, University Medical Center Groningen
Classification: Benign. Review status: no assertion criteria provided. Collection method: clinical testing. Allele origin: germline. Affected: yes. Study: VKGL Data-share Consensus. Not counted in ClinVar's aggregate classification.

Joint Genome Diagnostic Labs from Nijmegen and Maastricht, Radboudumc and MUMC+
Classification: Benign. Review status: no assertion criteria provided. Collection method: clinical testing. Allele origin: germline. Affected: yes. Study: VKGL Data-share Consensus. Not counted in ClinVar's aggregate classification.